The following is an entry in ClinVar:

NC_000012.11:g.(?_2162729)_(2800365_?)del

Gene: CACNA1C (calcium voltage-gated channel subunit alpha1 C; plus strand). Cytogenetic location: 12p13.33.
Variant type: Deletion.
Identifiers: ClinVar variation 2423368 (VCV002423368.5).

ClinVar aggregate classification (germline): Uncertain significance (1 of 4 stars; one submission).

Conditions:
Long QT syndrome (LQTS). Identifiers: MedGen C0023976, MeSH D008133, MONDO:0002442. Disease mechanism: loss of function. Inheritance: Various modes of inheritance.

Submission:

Labcorp Genetics (formerly Invitae), Labcorp
Classification: Uncertain significance for Long QT syndrome. Last evaluated: 2022-07-22. Review status: criteria provided, single submitter. Criteria: Invitae Variant Classification Sherloc (09022015). Collection method: clinical testing. Allele origin: germline.
Comment: A gross deletion of the genomic region encompassing the full coding sequence of the CACNA1C gene has been identified. The current clinical and genetic evidence is not sufficient to establish whether loss-of-function variants in CACNA1C cause disease. The boundaries of this event are unknown as they extend beyond the assayed region for this gene and therefore may encompass additional genes. This variant has not been reported in the literature in individuals affected with CACNA1C-related conditions. In summary, the available evidence is currently insufficient to determine the role of this variant in disease. Therefore, it has been classified as a Variant of Uncertain Significance.